The following is an entry in ClinVar:

ClinVar aggregate classification (germline): Uncertain significance (1 of 4 stars; one submission).

Allele frequency attached by ClinVar (database versions not stated): gnomAD exomes below 0.00001.
gnomAD v4.1: 2 of 1,610,504 alleles (0.00012%); highest among the groups gnomAD compares: African/African-American, 0.0014%; no homozygotes.

Submission:

Labcorp Genetics (formerly Invitae), Labcorp
Classification: Uncertain significance. Last evaluated: 2024-02-24. Review status: criteria provided, single submitter. Criteria: Invitae Variant Classification Sherloc (09022015). Collection method: clinical testing. Allele origin: germline.
Comment: This sequence change replaces valine, which is neutral and non-polar, with methionine, which is neutral and non-polar, at codon 1178 of the SLC12A2 protein (p.Val1178Met). This variant is not present in population databases (gnomAD no frequency). This variant has not been reported in the literature in individuals affected with SLC12A2-related conditions. ClinVar contains an entry for this variant (Variation ID: 1440964). Advanced modeling of protein sequence and biophysical properties (such as structural, functional, and spatial information, amino acid conservation, physicochemical variation, residue mobility, and thermodynamic stability) performed at Invitae indicates that this missense variant is expected to disrupt SLC12A2 protein function with a positive predictive value of 80%. In summary, the available evidence is currently insufficient to determine the role of this variant in disease. Therefore, it has been classified as a Variant of Uncertain Significance.

NM_001046.3(SLC12A2):c.3532G>A (p.Val1178Met)

Gene: SLC12A2 (solute carrier family 12 member 2; plus strand). Cytogenetic location: 5q23.3.
Variant type: single nucleotide variant.
Coding change: c.3532G>A on transcript NM_001046.3 (MANE Select); coding-DNA position 3532, G replaced by A.
Protein change: p.Val1178Met; replaces valine 1178 with methionine.
Molecular consequence: missense variant. On other transcripts: non-coding transcript variant (1).
Genome position (GRCh38, 1-based): chr5:128,186,524, G>A. VCF-style: chr5-128186524-G-A. GRCh37 (hg19) VCF-style: chr5-127522216-G-A.
Other names: c.3484G>A, p.Val1162Met (NM_001256461.2); short protein forms V1178M, V1162M.
Identifiers: ClinVar variation 1440964 (VCV001440964.8), dbSNP rs1763875379, ClinGen allele CA360742813.